The following is an entry in ClinVar:

ClinVar aggregate classification (germline): Uncertain significance (1 of 4 stars; one submission).

Submission:

Labcorp Genetics (formerly Invitae), Labcorp
Classification: Uncertain significance. Last evaluated: 2025-06-20. Review status: criteria provided, single submitter. Criteria: Invitae Variant Classification Sherloc (09022015). Collection method: clinical testing. Allele origin: germline.
Comment: This sequence change replaces glycine, which is neutral and non-polar, with serine, which is neutral and polar, at codon 422 of the EPS8L2 protein (p.Gly422Ser). The frequency data for this variant in the population databases is considered unreliable, as metrics indicate poor data quality at this position in the gnomAD database. This variant has not been reported in the literature in individuals affected with EPS8L2-related conditions. An algorithm developed to predict the effect of missense changes on protein structure and function (PolyPhen-2) suggests that this variant is likely to be tolerated. In summary, the available evidence is currently insufficient to determine the role of this variant in disease. Therefore, it has been classified as a Variant of Uncertain Significance.

NM_022772.4(EPS8L2):c.1264G>A (p.Gly422Ser)

Gene: EPS8L2 (EPS8 signaling adaptor L2; plus strand). Cytogenetic location: 11p15.5.
Variant type: single nucleotide variant.
Coding change: c.1264G>A on transcript NM_022772.4 (MANE Select); coding-DNA position 1264, G replaced by A.
Protein change: p.Gly422Ser; replaces glycine 422 with serine.
Molecular consequence: missense variant.
Genome position (GRCh38, 1-based): chr11:722,728, G>A. VCF-style: chr11-722728-G-A. GRCh37 (hg19) VCF-style: chr11-722728-G-A.
Other names: c.1264G>A, p.Gly422Ser (NM_001441192.1, NM_001441193.1); c.727G>A, p.Gly243Ser (NM_001441194.1); short protein forms G243S, G422S.
Identifiers: ClinVar variation 4748987 (VCV004748987.1).